The following is an entry in ClinVar:

NM_004408.4(DNM1):c.745A>G (p.Thr249Ala)

Gene: DNM1 (dynamin 1; plus strand). Cytogenetic location: 9q34.11.
Variant type: single nucleotide variant.
Coding change: c.745A>G on transcript NM_004408.4 (MANE Select); coding-DNA position 745, A replaced by G.
Protein change: p.Thr249Ala; replaces threonine 249 with alanine.
Molecular consequence: missense variant.
Genome position (GRCh38, 1-based): chr9:128,220,237, A>G. VCF-style: chr9-128220237-A-G. GRCh37 (hg19) VCF-style: chr9-130982516-A-G.
Other names: c.745A>G, p.Thr249Ala (NM_001005336.3, NM_001288737.2, NM_001288738.2 and 2 more transcripts); short protein forms T249A.
Identifiers: ClinVar variation 2828918 (VCV002828918.3), dbSNP rs2538985075, ClinGen allele CA375013216.
Genomic context (GRCh38, chr9:128,220,237, plus strand): 5'-ACAGGCTACATTGGAGTGGTGAACCGGAGCCAGAAGGACATTGATGGCAAGAAGGACATT[A>G]CCGCCGCCTTGGCTGCTGAACGAAAGTTCTTCCTCTCCCATCCATCTTATCGCCACTTGG-3'
Protein context (NP_004399.2, residues 239-259): QKDIDGKKDI[Thr249Ala]AALAAERKFF

ClinVar aggregate classification (germline): Uncertain significance (1 of 4 stars; one submission).

Conditions:
Developmental and epileptic encephalopathy, 31A. Also called: Developmental and epileptic encephalopathy, 31; Epileptic encephalopathy, early infantile, 31. Identifiers: Orphanet 2382, MedGen C4225357, MONDO:0014598, OMIM 616346.

Submission:

Labcorp Genetics (formerly Invitae), Labcorp
Classification: Uncertain significance for Developmental and epileptic encephalopathy, 31A. Last evaluated: 2025-04-22. Review status: criteria provided, single submitter. Criteria: Invitae Variant Classification Sherloc (09022015). Collection method: clinical testing. Allele origin: germline.
Comment: This sequence change replaces threonine, which is neutral and polar, with alanine, which is neutral and non-polar, at codon 249 of the DNM1 protein (p.Thr249Ala). This variant is not present in population databases (gnomAD no frequency). This variant has not been reported in the literature in individuals affected with DNM1-related conditions. ClinVar contains an entry for this variant (Variation ID: 2828918). Invitae Evidence Modeling of protein sequence and biophysical properties (such as structural, functional, and spatial information, amino acid conservation, physicochemical variation, residue mobility, and thermodynamic stability) indicates that this missense variant is not expected to disrupt DNM1 protein function with a negative predictive value of 80%. In summary, the available evidence is currently insufficient to determine the role of this variant in disease. Therefore, it has been classified as a Variant of Uncertain Significance.